The following is an entry in ClinVar:

ClinVar aggregate classification (germline): Uncertain significance (1 of 4 stars; one submission).

Conditions:
Inborn genetic diseases. Identifiers: MedGen C0950123, MeSH D030342.

Submission:

Ambry Genetics
Classification: Uncertain significance for Inborn genetic diseases. Last evaluated: 2022-07-21. Review status: criteria provided, single submitter. Criteria: Ambry Variant Classification Scheme 2023. Collection method: clinical testing. Allele origin: germline.
Comment: The c.1431-6T>C intronic alteration consists of a T to C substitution 6 nucleotides before coding exon 10 in the CEP120 gene. Based on insufficient or conflicting evidence, the clinical significance of this alteration remains unclear.

NM_001375405.1(CEP120):c.1431-6T>C

Gene: CEP120 (centrosomal protein 120; minus strand). Cytogenetic location: 5q23.2.
Variant type: single nucleotide variant.
Coding change: c.1431-6T>C on transcript NM_001375405.1 (MANE Select); 6 bases into the intron before coding-DNA position 1431, T replaced by C.
Molecular consequence: intron variant.
Genome position (GRCh38, 1-based): chr5:123,386,673, A>G on the plus strand (T>C on the coding strand, the complement: CEP120 is on the minus strand). VCF-style: chr5-123386673-A-G. GRCh37 (hg19) VCF-style: chr5-122722367-A-G.
Other names: c.1353-6T>C (NM_001166226.2); c.1431-6T>C (NM_153223.4, NM_001375407.1); c.858-6T>C (NM_001375408.1, NM_001375409.1); c.1296-6T>C (NM_001375406.1).
Identifiers: ClinVar variation 2299676 (VCV002299676.2), dbSNP rs2479327451, ClinGen allele CA2580072484.